The following is an entry in ClinVar:

NM_001081.4(CUBN):c.4837C>T (p.Arg1613Ter)

Gene: CUBN (cubilin; minus strand). Cytogenetic location: 10p13.
Variant type: single nucleotide variant.
Coding change: c.4837C>T on transcript NM_001081.4 (MANE Select); coding-DNA position 4837, C replaced by T.
Protein change: p.Arg1613Ter; replaces arginine 1613 with a stop codon.
Molecular consequence: nonsense.
Genome position (GRCh38, 1-based): chr10:16,954,407, G>A on the plus strand (C>T on the coding strand, the complement: CUBN is on the minus strand). VCF-style: chr10-16954407-G-A. GRCh37 (hg19) VCF-style: chr10-16996406-G-A.
Other names: short protein forms R1613*.
Identifiers: ClinVar variation 631630 (VCV000631630.11), dbSNP rs769881615, ClinGen allele CA5424245.
Genomic context (GRCh38, chr10:16,954,407, plus strand): 5'-GAAGATTTCTCTTGTGCCTGGGAAGATCCACAGGGTACTTGCCTTGCCTGAATTGAGCTC[G>A]GAAGCCTCTGTTCTGTCTGGAAGGGCCAGACTGAAATCTCAAGAAGAGGCTGTTTCCTGA-3'

ClinVar aggregate classification (germline): Pathogenic/Likely pathogenic. Review status: criteria provided, multiple submitters, no conflicts (2 of 4 stars). 4 submissions from 4 submitters: Pathogenic (2); Likely pathogenic (2). Last evaluated 2026-02-13.

Conditions:
Imerslund-Grasbeck syndrome type 1 (IGS1). Also called: Imerslund-Gräsbeck syndrome 1; Megaloblastic anemia 1, Finnish type; MEGALOBLASTIC ANEMIA, 1. Identifiers: MedGen C4016819, MONDO:0100156, OMIM 261100.
Proteinuria, chronic benign. Identifiers: MedGen C5394384, MONDO:0030042, OMIM 618884.
CUBN-related disorder. Also called: CUBN-related condition.
Imerslund-Grasbeck syndrome. Also called: Megaloblastic anemia due to inborn errors of metabolism; ENTEROCYTE COBALAMIN MALABSORPTION; ENTEROCYTE INTRINSIC FACTOR RECEPTOR, DEFECT OF; PERNICIOUS ANEMIA, JUVENILE, DUE TO SELECTIVE INTESTINAL MALABSORPTION OF VITAMIN B12, WITH PROTEINURIA; Imerslund-Gräsbeck syndrome. Identifiers: Orphanet 35858, MedGen C4551825, MONDO:0009853.
CUBN-related disorders.

Allele frequency attached by ClinVar (database versions not stated): gnomAD 0.00001; gnomAD exomes 0.00001 and 0.00002; TOPMed 0.00001; ExAC 0.00004.
gnomAD v4.1: 17 of 1,614,148 alleles (0.0011%); highest among the groups gnomAD compares: East Asian, 0.0045%; no homozygotes.

Submissions (4):

PreventionGenetics, part of Exact Sciences
Classification: Pathogenic for CUBN-related condition. Last evaluated: 2026-02-13. Review status: criteria provided, single submitter. Criteria: ACMG Guidelines, 2015. Collection method: clinical testing. Allele origin: germline.
Comment: The CUBN c.4837C>T variant is predicted to result in premature protein termination (p.Arg1613*). This variant was reported in the compound heterozygous state with a probably pathogenic missense variant in an individual with steroid resistant nephrotic syndrome (Wang et al. 2017. PubMed ID: 28204945). This variant is reported in 0.0044% of alleles in individuals of European (Non-Finnish) descent in gnomAD. Nonsense variants in CUBN are expected to be pathogenic. This variant is interpreted as pathogenic.

Fulgent Genetics
Classification: Likely pathogenic for Imerslund-Grasbeck syndrome type 1; Proteinuria, chronic benign. Last evaluated: 2024-03-02. Review status: criteria provided, single submitter. Criteria: ACMG Guidelines, 2015. Collection method: clinical testing. Allele origin: germline.

Labcorp Genetics (formerly Invitae), Labcorp
Classification: Pathogenic for Imerslund-Grasbeck syndrome. Last evaluated: 2022-05-26. Review status: criteria provided, single submitter. Criteria: Invitae Variant Classification Sherloc (09022015). Collection method: clinical testing. Allele origin: germline.
Comment: For these reasons, this variant has been classified as Pathogenic. ClinVar contains an entry for this variant (Variation ID: 631630). This premature translational stop signal has been observed in individual(s) with steroid-resistant nephrotic syndrome (PMID: 28204945). This variant is present in population databases (rs769881615, gnomAD 0.004%). This sequence change creates a premature translational stop signal (p.Arg1613*) in the CUBN gene. It is expected to result in an absent or disrupted protein product. Loss-of-function variants in CUBN are known to be pathogenic (PMID: 15024727, 22929189).

Blueprint Genetics
Classification: Likely pathogenic for CUBN-related disorders. Last evaluated: 2021-10-28. Review status: criteria provided, single submitter. Criteria: ACMG Guidelines, 2015. Collection method: clinical testing. Allele origin: germline. Affected: yes. Observed: 2 variant alleles.

Literature cited by the submitters: PubMed 28204945 (cited by Labcorp Genetics (formerly Invitae), Labcorp); PubMed 15024727 (cited by Labcorp Genetics (formerly Invitae), Labcorp); PubMed 22929189 (cited by Labcorp Genetics (formerly Invitae), Labcorp).